The following is an entry in ClinVar:

NM_014712.3(SETD1A):c.3410C>T (p.Pro1137Leu)

Gene: SETD1A (SET domain containing 1A, histone lysine methyltransferase; plus strand). Cytogenetic location: 16p11.2.
Variant type: single nucleotide variant.
Coding change: c.3410C>T on transcript NM_014712.3 (MANE Select); coding-DNA position 3410, C replaced by T.
Protein change: p.Pro1137Leu; replaces proline 1137 with leucine.
Molecular consequence: missense variant.
Genome position (GRCh38, 1-based): chr16:30,979,196, C>T. VCF-style: chr16-30979196-C-T. GRCh37 (hg19) VCF-style: chr16-30990517-C-T.
Other names: short protein forms P1137L.
Identifiers: ClinVar variation 3345193 (VCV003345193.1).
Genomic context (GRCh38, chr16:30,979,196, plus strand): 5'-CCTTCCCAGGCCCCACGGAGGAGTCACCCCCCAGTGCGCCTCTGCGTCCCCCAGAACCAC[C>T]TGCTGGGCCCCCGGCCCCTGCCCCACGCCCCGATGAGCGTCCCTCTTCTCCCATCCCCCT-3'
Protein context (NP_055527.1, residues 1127-1147): PSAPLRPPEP[Pro1137Leu]AGPPAPAPRP

ClinVar aggregate classification (germline): Uncertain significance (0 of 4 stars; one submission).

Conditions:
SETD1A-related disorder. Also called: SETD1A-related condition.

gnomAD v4.1: 1 of 1,589,412 alleles (0.000063%); no homozygotes.

Submission:

PreventionGenetics, part of Exact Sciences
Classification: Uncertain significance for SETD1A-related condition. Last evaluated: 2024-09-20. Review status: no assertion criteria provided. Collection method: clinical testing. Allele origin: germline.
Comment: The SETD1A c.3410C>T variant is predicted to result in the amino acid substitution p.Pro1137Leu. To our knowledge, this variant has not been reported in the literature or in a large population database, indicating this variant is rare. At this time, the clinical significance of this variant is uncertain due to the absence of conclusive functional and genetic evidence.